The following is an entry in ClinVar:

ClinVar aggregate classification (germline): Uncertain significance. Review status: criteria provided, multiple submitters, no conflicts (2 of 4 stars). 2 submissions from 2 submitters: Uncertain significance (2). Last evaluated 2025-05-04.

Conditions:
Short-rib thoracic dysplasia 14 with polydactyly (SRTD14). Identifiers: Orphanet 397715, MedGen C4225286, MONDO:0014688, OMIM 616546.
Joubert syndrome 23 (JBTS23). Identifiers: Orphanet 475, MedGen C4084822, MONDO:0014664, OMIM 616490.
Inborn genetic diseases. Identifiers: MedGen C0950123, MeSH D030342.

Allele frequency attached by ClinVar (database versions not stated): gnomAD exomes 0.00001; ExAC 0.00001; gnomAD 0.00005; TOPMed 0.00005.
gnomAD v4.1: 18 of 1,607,552 alleles (0.0011%); highest among the groups gnomAD compares: African/African-American, 0.012%; no homozygotes.

Submissions (2):

Ambry Genetics
Classification: Uncertain significance for Inborn genetic diseases. Last evaluated: 2025-05-04. Review status: criteria provided, single submitter. Criteria: Ambry Variant Classification Scheme 2023. Collection method: clinical testing. Allele origin: germline.

Labcorp Genetics (formerly Invitae), Labcorp
Classification: Uncertain significance for Joubert syndrome 23; Short-rib thoracic dysplasia 14 with polydactyly. Last evaluated: 2022-04-08. Review status: criteria provided, single submitter. Criteria: Invitae Variant Classification Sherloc (09022015). Collection method: clinical testing. Allele origin: germline.
Comment: This sequence change replaces asparagine, which is neutral and polar, with serine, which is neutral and polar, at codon 549 of the KIAA0586 protein (p.Asn549Ser). This variant is present in population databases (rs763988521, gnomAD 0.007%). This variant has not been reported in the literature in individuals affected with KIAA0586-related conditions. Algorithms developed to predict the effect of missense changes on protein structure and function are either unavailable or do not agree on the potential impact of this missense change (SIFT: "Tolerated"; PolyPhen-2: "Probably Damaging"; Align-GVGD: "Class C0"). In summary, the available evidence is currently insufficient to determine the role of this variant in disease. Therefore, it has been classified as a Variant of Uncertain Significance.

NM_001329943.3(KIAA0586):c.1487A>G (p.Asn496Ser)

Gene: KIAA0586 (KIAA0586; plus strand). Cytogenetic location: 14q23.1.
Variant type: single nucleotide variant.
Coding change: c.1487A>G on transcript NM_001329943.3 (MANE Select); coding-DNA position 1487, A replaced by G.
Protein change: p.Asn496Ser; replaces asparagine 496 with serine.
Molecular consequence: missense variant.
Genome position (GRCh38, 1-based): chr14:58,457,883, A>G. VCF-style: chr14-58457883-A-G. GRCh37 (hg19) VCF-style: chr14-58924601-A-G.
Other names: c.1646A>G, p.Asn549Ser (NM_001244189.2); c.1442A>G, p.Asn481Ser (NM_001244190.2); c.1232A>G, p.Asn411Ser (NM_001244191.2, NM_001329945.2, NM_001364700.1 and 1 more transcripts); c.1355A>G, p.Asn452Ser (NM_001244192.2); c.1067A>G, p.Asn356Ser (NM_001244193.2); c.1487A>G, p.Asn496Ser (NM_001329944.2, NM_001329946.2, NM_001329947.2 and 1 more transcripts); c.1487A>G (NM_014749.3); short protein forms N411S, N452S, N356S, N481S, N496S, N549S.
Identifiers: ClinVar variation 2156871 (VCV002156871.2), dbSNP rs763988521, ClinGen allele CA7205666.